The following is an entry in ClinVar:

NM_152328.5(ADSS1):c.741dup (p.Lys248fs)

Gene: ADSS1 (adenylosuccinate synthase 1; plus strand). Cytogenetic location: 14q32.33.
Variant type: Duplication.
Coding change: c.741dup on transcript NM_152328.5 (MANE Select); coding-DNA position 741, one base duplicated (C; older notation c.741dupC).
Protein change: p.Lys248fs; shifts the reading frame from lysine 248.
Molecular consequence: frameshift variant.
Genome position (GRCh38, 1-based): chr14:104,741,191, C duplicated; the last of 7 consecutive C bases (chr14:104,741,185-104,741,191); duplicating any one gives the same sequence. VCF-style (leftmost placement, unchanged base first): chr14-104741184-G-GC. GRCh37 (hg19) VCF-style: chr14-105207521-G-GC.
Other names: c.126dup, p.Lys43fs (NM_001320424.1); c.870dup, p.Lys291fs (NM_199165.2); c.741dupC (NM_152328.4); short protein forms K248fs, K291fs, K43fs.
Identifiers: ClinVar variation 1681960 (VCV001681960.8), dbSNP rs769542442, ClinGen allele CA7373827.

ClinVar aggregate classification (germline): Pathogenic/Likely pathogenic. Review status: criteria provided, multiple submitters, no conflicts (2 of 4 stars). 3 submissions from 3 submitters: Pathogenic (2); Likely pathogenic (1). Last evaluated 2025-10-21.

Conditions:
Myopathy, distal, 5 (MPD5). Also called: Adenylosuccinate synthetase-like 1-related distal myopathy. Identifiers: Orphanet 482601, MedGen C5567521, MONDO:0014877, OMIM 617030.

Submissions (3):

Labcorp Genetics (formerly Invitae), Labcorp
Classification: Pathogenic. Last evaluated: 2025-10-21. Review status: criteria provided, single submitter. Criteria: Invitae Variant Classification Sherloc (09022015). Collection method: clinical testing. Allele origin: germline.
Comment: This sequence change creates a premature translational stop signal (p.Lys291Glnfs*16) in the ADSSL1 gene. It is expected to result in an absent or disrupted protein product. Loss-of-function variants in ADSSL1 are known to be pathogenic (PMID: 26506222). The frequency data for this variant in the population databases is considered unreliable, as metrics indicate poor data quality at this position in the gnomAD database. This variant has not been reported in the literature in individuals affected with ADSSL1-related conditions. ClinVar contains an entry for this variant (Variation ID: 1681960). For these reasons, this variant has been classified as Pathogenic.

Variantyx, Inc.
Classification: Likely pathogenic for Myopathy, distal, 5. Last evaluated: 2025-10-02. Review status: criteria provided, single submitter. Criteria: Variantyx Assertion Criteria 2022. Collection method: clinical testing. Allele origin: germline. Inheritance: Autosomal recessive inheritance. Affected: no.
Comment: This is a frameshift variant in the ADSS1 gene (OMIM: 612498). Pathogenic variants in this gene have been associated with autosomal recessive distal myopathy 5 . This variant introduces a premature termination codon in exon 8 out of 13 and is expected to result in loss of function, which is a known disease mechanism for ADSS1 in this disorder (PVS1) (PMID:28268051;32646962). This variant has a 0.0043% maximum allele frequency in non-founder control populations (PM2). Based on the current evidence, this variant is classified as likely pathogenic for autosomal recessive distal myopathy 5 .No other variant of clinical significance was identified in the ADSS1 gene.

Victorian Clinical Genetics Services, Murdoch Childrens Research Institute
Classification: Pathogenic for Myopathy, distal, 5. Last evaluated: 2022-02-02. Review status: criteria provided, single submitter. Criteria: ACMG Guidelines, 2015. Collection method: clinical testing. Allele origin: germline. Inheritance: Autosomal recessive inheritance.
Comment: Based on the classification scheme VCGS_Germline_v1.3.4, this variant is classified as Pathogenic. Following criteria are met: 0102 - Loss of function is a known mechanism of disease in this gene and is associated with distal myopathy 5 (MIM#617030). (I) 0106 - This gene is associated with autosomal recessive disease. (I) 0201 - Variant is predicted to cause nonsense-mediated decay (NMD) and loss of protein (premature termination codon is located at least 54 nucleotides upstream of the final exon-exon junction). (SP) 0251 - This variant is heterozygous. (I) 0304 - Variant is present in gnomAD (v2) <0.01 for a recessive condition (22 heterozygotes, 0 homozygotes). (SP) 0703 - Other NMD-predicted variants comparable to the one identified in this case have moderate previous evidence for pathogenicity, and have been reported in patients with myopathy (ClinVar, PMID: 26506222, 31680123, 32646962). (SP) 0807 - This variant has no previous evidence of pathogenicity. (I) 0905 - No published segregation evidence has been identified for this variant. (I) 1007 - No published functional evidence has been identified for this variant. (I) 1208 - Inheritance information for this variant is not currently available in this individual. (I) Legend: (SP) - Supporting pathogenic, (I) - Information, (SB) - Supporting benign

Literature cited by the submitters: PubMed 26506222 (cited by Labcorp Genetics (formerly Invitae), Labcorp and Victorian Clinical Genetics Services, Murdoch Childrens Research Institute); PubMed 28268051 (cited by Variantyx, Inc.); PubMed 32646962 (cited by Variantyx, Inc. and Victorian Clinical Genetics Services, Murdoch Childrens Research Institute); PubMed 31680123 (cited by Victorian Clinical Genetics Services, Murdoch Childrens Research Institute).